The following is an entry in ClinVar:

NM_001384140.1(PCDH15):c.29G>A (p.Cys10Tyr)

Gene: PCDH15 (protocadherin related 15; minus strand). Cytogenetic location: 10q21.1.
Variant type: single nucleotide variant.
Coding change: c.29G>A on transcript NM_001384140.1 (MANE Select); coding-DNA position 29, G replaced by A.
Protein change: p.Cys10Tyr; replaces cysteine 10 with tyrosine.
Molecular consequence: missense variant.
Genome position (GRCh38, 1-based): chr10:54,664,234, C>T on the plus strand (G>A on the coding strand, the complement: PCDH15 is on the minus strand). VCF-style: chr10-54664234-C-T. GRCh37 (hg19) VCF-style: chr10-56423994-C-T.
Other names: c.29G>A, p.Cys10Tyr (NM_001142763.2, NM_001142764.2, NM_001142765.2 and 14 more transcripts); short protein forms C10Y.
Identifiers: ClinVar variation 2203635 (VCV002203635.1), dbSNP rs368180234, ClinGen allele CA5506907.

ClinVar aggregate classification (germline): Uncertain significance (1 of 4 stars; one submission).

Allele frequency attached by ClinVar (database versions not stated): ExAC 0.00002; ESP Exome Variant Server 0.00008; gnomAD 0.00008; TOPMed 0.00009.
gnomAD v4.1: 277 of 1,611,998 alleles (0.017%); highest among the groups gnomAD compares: Non-Finnish European, 0.023%; no homozygotes.

Submission:

Labcorp Genetics (formerly Invitae), Labcorp
Classification: Uncertain significance. Last evaluated: 2022-10-25. Review status: criteria provided, single submitter. Criteria: Invitae Variant Classification Sherloc (09022015). Collection method: clinical testing. Allele origin: germline.
Comment: This sequence change replaces cysteine, which is neutral and slightly polar, with tyrosine, which is neutral and polar, at codon 10 of the PCDH15 protein (p.Cys10Tyr). This variant is present in population databases (rs368180234, gnomAD 0.02%). This variant has not been reported in the literature in individuals affected with PCDH15-related conditions. Algorithms developed to predict the effect of missense changes on protein structure and function output the following: SIFT: "Tolerated"; PolyPhen-2: "Benign"; Align-GVGD: "Class C0". The tyrosine amino acid residue is found in multiple mammalian species, which suggests that this missense change does not adversely affect protein function. In summary, the available evidence is currently insufficient to determine the role of this variant in disease. Therefore, it has been classified as a Variant of Uncertain Significance.